The following is an entry in ClinVar:

ClinVar aggregate classification (germline): Benign (1 of 4 stars; one submission).

Conditions:
Breast-ovarian cancer, familial, susceptibility to, 3. Also called: RAD51C-Related Breast/Ovarian Cancer. Identifiers: Orphanet 145, MedGen C3150659, MONDO:0013253, OMIM 613399.

Submission:

Myriad Genetics, Inc.
Classification: Benign for Breast-ovarian cancer, familial, susceptibility to, 3. Last evaluated: 2025-02-14. Review status: criteria provided, single submitter. Criteria: Myriad Autosomal Dominant, Autosomal Recessive and X-Linked Classification Criteria (2023). Collection method: clinical testing. Allele origin: unknown.
Comment: This variant is considered benign. This variant is a silent/synonymous amino acid change and it is not expected to impact splicing.

NM_058216.3(RAD51C):c.132C>G (p.Ser44=)

Gene: RAD51C (RAD51 paralog C; plus strand). Cytogenetic location: 17q22.
Variant type: single nucleotide variant.
Coding change: c.132C>G on transcript NM_058216.3 (MANE Select); coding-DNA position 132, C replaced by G.
Protein change: p.Ser44=; no amino-acid change (serine 44 retained).
Molecular consequence: synonymous variant. On other transcripts: non-coding transcript variant (1).
Genome position (GRCh38, 1-based): chr17:58,692,775, C>G. VCF-style: chr17-58692775-C-G. GRCh37 (hg19) VCF-style: chr17-56770136-C-G.
Other names: c.132C>G, p.Ser44= (NM_002876.4).
Identifiers: ClinVar variation 3904048 (VCV003904048.1).